The following is an entry in ClinVar:

NM_000875.5(IGF1R):c.16G>A (p.Gly6Arg)

Genes: IGF1R (insulin like growth factor 1 receptor; plus strand), IRAIN (IGF1R antisense imprinted non-protein coding RNA; minus strand). Cytogenetic location: 15q26.3.
Variant type: single nucleotide variant.
Coding change: c.16G>A on transcript NM_000875.5 (MANE Select); coding-DNA position 16, G replaced by A.
Protein change: p.Gly6Arg; replaces glycine 6 with arginine.
Molecular consequence: missense variant. On other transcripts: non-coding transcript variant (1).
Genome position (GRCh38, 1-based): chr15:98,649,597, G>A. VCF-style: chr15-98649597-G-A. GRCh37 (hg19) VCF-style: chr15-99192826-G-A.
Other names: c.16G>A, p.Gly6Arg (NM_001291858.2); c.16G>A (NM_000875.4); short protein forms G6R.
Identifiers: ClinVar variation 1213041 (VCV001213041.27), dbSNP rs199652097, ClinGen allele CA7751695.

ClinVar aggregate classification (germline): Likely benign. Review status: criteria provided, multiple submitters, no conflicts (2 of 4 stars). 4 submissions from 4 submitters: Likely benign (4). Last evaluated 2026-01-28.

Conditions:
IGF1R-related disorder. Also called: IGF1R-related condition.

Allele frequency attached by ClinVar (database versions not stated): gnomAD 0.00015 and 0.00032; ESP Exome Variant Server 0.00031; TOPMed 0.00031; gnomAD exomes 0.00034 and 0.00061; ExAC 0.00073; 1000 Genomes Project 30x 0.00156; 1000 Genomes Project 0.00180.
gnomAD v4.1: 531 of 1,600,800 alleles (0.033%); highest among the groups gnomAD compares: Middle Eastern, 0.5%; 9 homozygotes.

Submissions (4):

Labcorp Genetics (formerly Invitae), Labcorp
Classification: Likely benign. Last evaluated: 2026-01-28. Review status: criteria provided, single submitter. Criteria: Invitae Variant Classification Sherloc (09022015). Collection method: clinical testing. Allele origin: germline.

CeGaT Center for Human Genetics Tuebingen
Classification: Likely benign. Last evaluated: 2024-12-01. Review status: criteria provided, single submitter. Criteria: CeGaT Center For Human Genetics Tuebingen Variant Classification Criteria Version 2. Collection method: clinical testing. Allele origin: germline. Affected: yes. Observed: 2 variant alleles.
Comment: IGF1R: BS2

PreventionGenetics, part of Exact Sciences
Classification: Likely benign for IGF1R-related condition. Last evaluated: 2024-11-09. Review status: criteria provided, single submitter. Criteria: ACMG Guidelines, 2015. Collection method: clinical testing. Allele origin: germline.
Comment: This variant is classified as likely benign based on ACMG/AMP sequence variant interpretation guidelines (Richards et al. 2015 PMID: 25741868, with internal and published modifications).

GeneDx
Classification: Likely benign. Last evaluated: 2019-07-08. Review status: criteria provided, single submitter. Criteria: GeneDx Variant Classification Process June 2021. Collection method: clinical testing. Allele origin: germline. Affected: yes.
Comment: In silico analysis, which includes protein predictors and evolutionary conservation, supports that this variant does not alter protein structure/function; This variant is associated with the following publications: (PMID: 22998174)